The following is an entry in ClinVar:

ClinVar aggregate classification (germline): Uncertain significance. Review status: criteria provided, multiple submitters, no conflicts (2 of 4 stars). 2 submissions from 2 submitters: Uncertain significance (2). Last evaluated 2026-06-24.

Conditions:
Nephronophthisis 16 (NPHP16). Identifiers: Orphanet 655, MedGen C3809320, MONDO:0014158, OMIM 615382.
Inborn genetic diseases. Identifiers: MedGen C0950123, MeSH D030342.

Allele frequency attached by ClinVar (database versions not stated): gnomAD exomes 0.00001; ExAC 0.00001; TOPMed 0.00005; gnomAD 0.00007.
gnomAD v4.1: 25 of 1,613,288 alleles (0.0015%); highest among the groups gnomAD compares: African/African-American, 0.028%; no homozygotes.

Submissions (2):

Ambry Genetics
Classification: Uncertain significance for Inborn genetic diseases. Last evaluated: 2026-06-24. Review status: criteria provided, single submitter. Criteria: Ambry Variant Classification Scheme 2023. Collection method: clinical testing. Allele origin: germline.
Comment: The c.2092C>G (p.P698A) alteration is located in exon 11 (coding exon 11) of the ANKS6 gene. This alteration results from a C to G substitution at nucleotide position 2092, causing the proline (P) at amino acid position 698 to be replaced by an alanine (A). Based on data from gnomAD, the G allele has an overall frequency of 0.019% (6/31402) total alleles studied. The highest observed frequency was 0.069% (6/8714) of African alleles. Based on insufficient or conflicting evidence, the clinical significance of this alteration remains unclear.

Labcorp Genetics (formerly Invitae), Labcorp
Classification: Uncertain significance for Nephronophthisis 16. Last evaluated: 2023-11-13. Review status: criteria provided, single submitter. Criteria: Invitae Variant Classification Sherloc (09022015). Collection method: clinical testing. Allele origin: germline.
Comment: This sequence change replaces proline, which is neutral and non-polar, with alanine, which is neutral and non-polar, at codon 698 of the ANKS6 protein (p.Pro698Ala). This variant is present in population databases (rs765248968, gnomAD 0.03%). This variant has not been reported in the literature in individuals affected with ANKS6-related conditions. An algorithm developed to predict the effect of missense changes on protein structure and function (PolyPhen-2) suggests that this variant is likely to be tolerated. In summary, the available evidence is currently insufficient to determine the role of this variant in disease. Therefore, it has been classified as a Variant of Uncertain Significance.

NM_173551.5(ANKS6):c.2092C>G (p.Pro698Ala)

Gene: ANKS6 (ankyrin repeat and sterile alpha motif domain containing 6; minus strand). Cytogenetic location: 9q22.33.
Variant type: single nucleotide variant.
Coding change: c.2092C>G on transcript NM_173551.5 (MANE Select); coding-DNA position 2092, C replaced by G.
Protein change: p.Pro698Ala; replaces proline 698 with alanine.
Molecular consequence: missense variant.
Genome position (GRCh38, 1-based): chr9:98,768,131, G>C on the plus strand (C>G on the coding strand, the complement: ANKS6 is on the minus strand). VCF-style: chr9-98768131-G-C. GRCh37 (hg19) VCF-style: chr9-101530413-G-C.
Other names: c.2092C>G (NM_173551.3); short protein forms P698A.
Identifiers: ClinVar variation 2728473 (VCV002728473.4), dbSNP rs765248968, ClinGen allele CA5153266.
Genomic context (GRCh38, chr9:98,768,131, plus strand): 5'-AAACAAGCACCTTGCCAACAGGAGCGCTGCCACCTGCAGGGGAGGCTGGAAGCTCAGACG[G>C]GCTGGACCCCGGTGCTGGCCCCACAGGGCTTGACCGATGGCTGGGTTTCTGCTCCAATAA-3'
Protein context (NP_775822.3, residues 688-708): SPVGPAPGSS[Pro698Ala]SELPASPAGG